The following is an entry in ClinVar:

ClinVar aggregate classification (germline): Uncertain significance. Review status: criteria provided, multiple submitters, no conflicts (2 of 4 stars). 3 submissions from 3 submitters: Uncertain significance (3). Last evaluated 2025-08-14.

Conditions:
Inborn genetic diseases. Identifiers: MedGen C0950123, MeSH D030342.
Hereditary spastic paraplegia 48. Also called: Spastic paraplegia 48; SPASTIC PARAPLEGIA 48, AUTOSOMAL RECESSIVE. Identifiers: Orphanet 306511, MedGen C3150901, MONDO:0013342, OMIM 613647.

Allele frequency attached by ClinVar (database versions not stated): gnomAD 0.00004; TOPMed 0.00005; ExAC 0.00008.

Submissions (3):

Mayo Clinic Laboratories, Mayo Clinic
Classification: Uncertain significance. Last evaluated: 2025-08-14. Review status: criteria provided, single submitter. Criteria: ACMG Guidelines, 2015. Collection method: clinical testing. Allele origin: germline. Observed: 1 variant allele.

Labcorp Genetics (formerly Invitae), Labcorp
Classification: Uncertain significance for Hereditary spastic paraplegia 48. Last evaluated: 2023-12-11. Review status: criteria provided, single submitter. Criteria: Invitae Variant Classification Sherloc (09022015). Collection method: clinical testing. Allele origin: germline.
Comment: This sequence change replaces valine, which is neutral and non-polar, with methionine, which is neutral and non-polar, at codon 329 of the AP5Z1 protein (p.Val329Met). This variant is present in population databases (rs764235114, gnomAD 0.009%). This variant has not been reported in the literature in individuals affected with AP5Z1-related conditions. ClinVar contains an entry for this variant (Variation ID: 845840). Advanced modeling of protein sequence and biophysical properties (such as structural, functional, and spatial information, amino acid conservation, physicochemical variation, residue mobility, and thermodynamic stability) performed at Invitae indicates that this missense variant is not expected to disrupt AP5Z1 protein function with a negative predictive value of 80%. In summary, the available evidence is currently insufficient to determine the role of this variant in disease. Therefore, it has been classified as a Variant of Uncertain Significance.

Ambry Genetics
Classification: Uncertain significance for Inborn genetic diseases. Last evaluated: 2023-02-22. Review status: criteria provided, single submitter. Criteria: Ambry Variant Classification Scheme 2023. Collection method: clinical testing. Allele origin: germline.

NM_014855.3(AP5Z1):c.985G>A (p.Val329Met)

Gene: AP5Z1 (adaptor related protein complex 5 subunit zeta 1; plus strand). Cytogenetic location: 7p22.1.
Variant type: single nucleotide variant.
Coding change: c.985G>A on transcript NM_014855.3 (MANE Select); coding-DNA position 985, G replaced by A.
Protein change: p.Val329Met; replaces valine 329 with methionine.
Molecular consequence: missense variant. On other transcripts: non-coding transcript variant (1).
Genome position (GRCh38, 1-based): chr7:4,785,537, G>A. VCF-style: chr7-4785537-G-A. GRCh37 (hg19) VCF-style: chr7-4825168-G-A.
Other names: p.Val329Met; c.517G>A, p.Val173Met (NM_001364858.1); short protein forms V173M, V329M.
Identifiers: ClinVar variation 845840 (VCV000845840.10), dbSNP rs764235114, ClinGen allele CA4137554.